The following is an entry in ClinVar:

NM_001142966.3(GREB1L):c.2777C>T (p.Ala926Val)

Gene: GREB1L (GREB1 like retinoic acid receptor coactivator; plus strand). Cytogenetic location: 18q11.1.
Variant type: single nucleotide variant.
Coding change: c.2777C>T on transcript NM_001142966.3 (MANE Select); coding-DNA position 2777, C replaced by T.
Protein change: p.Ala926Val; replaces alanine 926 with valine.
Molecular consequence: missense variant.
Genome position (GRCh38, 1-based): chr18:21,490,098, C>T. VCF-style: chr18-21490098-C-T. GRCh37 (hg19) VCF-style: chr18-19070059-C-T.
Other names: c.2906C>T, p.Ala969Val (NM_001410867.1); c.2450C>T, p.Ala817Val (NM_001410868.1); short protein forms A926V, A817V, A969V.
Identifiers: ClinVar variation 2044845 (VCV002044845.28), dbSNP rs569900756, ClinGen allele CA8906526.

ClinVar aggregate classification (germline): Benign. Review status: criteria provided, multiple submitters, no conflicts (2 of 4 stars). 2 submissions from 2 submitters: Benign (2). Last evaluated 2025-09-07.

Allele frequency attached by ClinVar (database versions not stated): TOPMed 0.00006; gnomAD 0.00044; gnomAD exomes 0.00063; 1000 Genomes Project 30x 0.00344; 1000 Genomes Project 0.00379; ExAC 0.00416.
gnomAD v4.1: 945 of 1,551,868 alleles (0.061%); highest among the groups gnomAD compares: South Asian, 1.1%; 16 homozygotes.

Submissions (2):

Labcorp Genetics (formerly Invitae), Labcorp
Classification: Benign. Last evaluated: 2025-09-07. Review status: criteria provided, single submitter. Criteria: Invitae Variant Classification Sherloc (09022015). Collection method: clinical testing. Allele origin: germline.

CeGaT Center for Human Genetics Tuebingen
Classification: Benign. Last evaluated: 2023-04-01. Review status: criteria provided, single submitter. Criteria: CeGaT Center For Human Genetics Tuebingen Variant Classification Criteria Version 2. Collection method: clinical testing. Allele origin: germline. Affected: yes. Observed: 1 variant allele.
Comment: GREB1L: PP2, BP4, BS1, BS2